The following is an entry in ClinVar:

ClinVar aggregate classification (germline): Conflicting classifications of pathogenicity. Review status: criteria provided, conflicting classifications (1 of 4 stars). 2 submissions from 2 submitters: Likely pathogenic (1); Uncertain significance (1). Last evaluated 2024-02-22.

Conditions:
Primary ciliary dyskinesia. Also called: Ciliary dyskinesia. Identifiers: Orphanet 244, MedGen C0008780, MONDO:0016575, HP:0012265.

Submissions (2):

Blueprint Genetics
Classification: Uncertain significance. Last evaluated: 2024-02-22. Review status: criteria provided, single submitter. Criteria: ACMG Guidelines, 2015. Collection method: clinical testing. Allele origin: germline.

Labcorp Genetics (formerly Invitae), Labcorp
Classification: Likely pathogenic for Primary ciliary dyskinesia. Last evaluated: 2024-02-01. Review status: criteria provided, single submitter. Criteria: Invitae Variant Classification Sherloc (09022015). Collection method: clinical testing. Allele origin: germline.
Comment: This variant, c.13421_13453del, results in the deletion of 11 amino acid(s) of the DNAH11 protein (p.Gln4474_Lys4484del), but otherwise preserves the integrity of the reading frame. This variant is present in population databases (rs771508476, gnomAD 0.01%). This variant has been observed in individual(s) with clinical features of primary ciliary dyskinesia (Invitae). In at least one individual the data is consistent with being in trans (on the opposite chromosome) from a pathogenic variant. ClinVar contains an entry for this variant (Variation ID: 945626). This variant disrupts a region of the DNAH11 protein in which other variant(s) (p.Pro4479Thr) have been observed in individuals with DNAH11-related conditions (PMID: 31772028). This suggests that this is a clinically significant region of the protein, and that variants that disrupt it are likely to be disease-causing. In summary, the currently available evidence indicates that the variant is pathogenic, but additional data are needed to prove that conclusively. Therefore, this variant has been classified as Likely Pathogenic.

Literature cited by the submitters: PubMed 31772028 (cited by Labcorp Genetics (formerly Invitae), Labcorp).

NM_001277115.2(DNAH11):c.13421_13453del (p.Gln4474_Lys4484del)

Genes: CDCA7L (cell division cycle associated 7 like; minus strand), DNAH11 (dynein axonemal heavy chain 11; plus strand). Cytogenetic location: 7p15.3.
Variant type: Deletion.
Coding change: c.13421_13453del on transcript NM_001277115.2 (MANE Select); coding-DNA positions 13421 to 13453, 33 bases deleted.
Protein change: p.Gln4474_Lys4484del.
Molecular consequence: inframe deletion. On other transcripts: 3 prime UTR variant (3).
Genome position (GRCh38, 1-based): chr7:21,901,124-21,901,156, 33 bases deleted; deleting any 33 consecutive bases within chr7:21,901,116-21,901,156 gives the same sequence; the c. name uses the placement nearest the transcript's 3' end. GRCh37 (hg19): chr7:21,940,742-21,940,774.
Other names: c.*1174_*1206del (NM_001127370.3, NM_001127371.3, NM_018719.5).
Identifiers: ClinVar variation 945626 (VCV000945626.11), dbSNP rs771508476, ClinGen allele CA4183484.